The following is an entry in ClinVar:

NM_019066.5(MAGEL2):c.1236G>C (p.Gly412=)

Gene: MAGEL2 (MAGE family member L2; minus strand). Cytogenetic location: 15q11.2.
Variant type: single nucleotide variant.
Coding change: c.1236G>C on transcript NM_019066.5 (MANE Select); coding-DNA position 1236, G replaced by C.
Protein change: p.Gly412=; no amino-acid change (glycine 412 retained).
Molecular consequence: synonymous variant.
Genome position (GRCh38, 1-based): chr15:23,646,507, C>G on the plus strand (G>C on the coding strand, the complement: MAGEL2 is on the minus strand). VCF-style: chr15-23646507-C-G. GRCh37 (hg19) VCF-style: chr15-23891654-C-G.
Identifiers: ClinVar variation 3664871 (VCV003664871.2).

ClinVar aggregate classification (germline): Uncertain significance (1 of 4 stars; one submission).

Submission:

Labcorp Genetics (formerly Invitae), Labcorp
Classification: Uncertain significance. Last evaluated: 2024-09-06. Review status: criteria provided, single submitter. Criteria: Invitae Variant Classification Sherloc (09022015). Collection method: clinical testing. Allele origin: germline.
Comment: This sequence change affects codon 412 of the MAGEL2 mRNA. It is a 'silent' change, meaning that it does not change the encoded amino acid sequence of the MAGEL2 protein. This variant is not present in population databases (gnomAD no frequency). This variant has not been reported in the literature in individuals affected with MAGEL2-related conditions. In summary, the available evidence is currently insufficient to determine the role of this variant in disease. Therefore, it has been classified as a Variant of Uncertain Significance.